The following is an entry in ClinVar:

ClinVar aggregate classification (germline): Uncertain significance (1 of 4 stars; one submission).

Allele frequency attached by ClinVar (database versions not stated): gnomAD 0.00001; gnomAD exomes 0.00002; TOPMed below 0.00001.
gnomAD v4.1: 13 of 1,612,046 alleles (0.00081%); highest among the groups gnomAD compares: African/African-American, 0.0027%; no homozygotes.

Submission:

Labcorp Genetics (formerly Invitae), Labcorp
Classification: Uncertain significance. Last evaluated: 2022-08-09. Review status: criteria provided, single submitter. Criteria: Invitae Variant Classification Sherloc (09022015). Collection method: clinical testing. Allele origin: germline.
Comment: This sequence change replaces arginine, which is basic and polar, with glycine, which is neutral and non-polar, at codon 46 of the PEX11B protein (p.Arg46Gly). This variant is present in population databases (rs781924210, gnomAD 0.006%). This variant has not been reported in the literature in individuals affected with PEX11B-related conditions. ClinVar contains an entry for this variant (Variation ID: 1354103). Algorithms developed to predict the effect of missense changes on protein structure and function are either unavailable or do not agree on the potential impact of this missense change (SIFT: "Deleterious"; PolyPhen-2: "Benign"; Align-GVGD: "Class C45"). In summary, the available evidence is currently insufficient to determine the role of this variant in disease. Therefore, it has been classified as a Variant of Uncertain Significance.

NM_003846.3(PEX11B):c.136C>G (p.Arg46Gly)

Gene: PEX11B (peroxisomal biogenesis factor 11 beta; minus strand). Cytogenetic location: 1q21.1.
Variant type: single nucleotide variant.
Coding change: c.136C>G on transcript NM_003846.3 (MANE Select); coding-DNA position 136, C replaced by G.
Protein change: p.Arg46Gly; replaces arginine 46 with glycine.
Molecular consequence: missense variant. On other transcripts: non-coding transcript variant (3).
Genome position (GRCh38, 1-based): chr1:145,917,737, G>C on the plus strand (C>G on the coding strand, the complement: PEX11B is on the minus strand). VCF-style: chr1-145917737-G-C. GRCh37 (hg19) VCF-style: chr1-145517352-C-G.
Other names: c.94C>G, p.Arg32Gly (NM_001184795.1); short protein forms R32G, R46G.
Identifiers: ClinVar variation 1354103 (VCV001354103.5), dbSNP rs781924210, ClinGen allele CA1055513.